The following is an entry in ClinVar:

ClinVar aggregate classification (germline): Uncertain significance. Review status: criteria provided, multiple submitters, no conflicts (2 of 4 stars). 3 submissions from 3 submitters: Uncertain significance (3). Last evaluated 2026-02-13.

Conditions:
Methylmalonic acidemia with homocystinuria, type cblX (MAHCX). Also called: INTELLECTUAL DEVELOPMENTAL DISORDER, X-LINKED 3. Identifiers: Orphanet 369962, MedGen C0796208, MONDO:0010657, OMIM 309541.
Inborn genetic diseases. Identifiers: MedGen C0950123, MeSH D030342.

Allele frequency attached by ClinVar (database versions not stated): gnomAD exomes below 0.00001.
gnomAD v4.1: 2 of 1,209,774 alleles (0.00017%); highest among the groups gnomAD compares: Non-Finnish European, 0.00022%; no homozygotes.

Submissions (3):

Ambry Genetics
Classification: Uncertain significance for Inborn genetic diseases. Last evaluated: 2026-02-13. Review status: criteria provided, single submitter. Criteria: Ambry Variant Classification Scheme 2023. Collection method: clinical testing. Allele origin: germline.
Comment: The c.4735C>G (p.Q1579E) alteration is located in exon 19 (coding exon 19) of the HCFC1 gene. This alteration results from a C to G substitution at nucleotide position 4735, causing the glutamine (Q) at amino acid position 1579 to be replaced by a glutamic acid (E). This variant was not reported in population-based cohorts in the Genome Aggregation Database (gnomAD). This amino acid position is well conserved in available vertebrate species. This alteration is predicted to be tolerated by in silico analysis. Based on insufficient or conflicting evidence, the clinical significance of this alteration remains unclear.

Labcorp Genetics (formerly Invitae), Labcorp
Classification: Uncertain significance for Methylmalonic acidemia with homocystinuria, type cblX. Last evaluated: 2023-11-16. Review status: criteria provided, single submitter. Criteria: Invitae Variant Classification Sherloc (09022015). Collection method: clinical testing. Allele origin: germline.
Comment: This sequence change replaces glutamine, which is neutral and polar, with glutamic acid, which is acidic and polar, at codon 1579 of the HCFC1 protein (p.Gln1579Glu). This variant is not present in population databases (gnomAD no frequency). This variant has not been reported in the literature in individuals affected with HCFC1-related conditions. ClinVar contains an entry for this variant (Variation ID: 807849). An algorithm developed to predict the effect of missense changes on protein structure and function (PolyPhen-2) suggests that this variant is likely to be disruptive. In summary, the available evidence is currently insufficient to determine the role of this variant in disease. Therefore, it has been classified as a Variant of Uncertain Significance.

CeGaT Center for Human Genetics Tuebingen
Classification: Uncertain significance. Last evaluated: 2018-04-01. Review status: criteria provided, single submitter. Criteria: CeGaT Center For Human Genetics Tuebingen Variant Classification Criteria Version 2. Collection method: clinical testing. Allele origin: germline. Affected: yes. Observed: 1 variant allele.

NM_005334.3(HCFC1):c.4735C>G (p.Gln1579Glu)

Gene: HCFC1 (host cell factor C1; minus strand). Cytogenetic location: Xq28.
Variant type: single nucleotide variant.
Coding change: c.4735C>G on transcript NM_005334.3 (MANE Select); coding-DNA position 4735, C replaced by G.
Protein change: p.Gln1579Glu; replaces glutamine 1579 with glutamic acid.
Molecular consequence: missense variant.
Genome position (GRCh38, 1-based): chrX:153,952,721, G>C on the plus strand (C>G on the coding strand, the complement: HCFC1 is on the minus strand). VCF-style: chrX-153952721-G-C. GRCh37 (hg19) VCF-style: chrX-153218172-G-C.
Other names: c.4735C>G (NM_005334.2); short protein forms Q1579E.
Identifiers: ClinVar variation 807849 (VCV000807849.47), dbSNP rs1603294733, ClinGen allele CA415112222.